The following is an entry in ClinVar:

ClinVar aggregate classification (germline): Uncertain significance (1 of 4 stars; one submission).

Conditions:
Catecholaminergic polymorphic ventricular tachycardia 1. Also called: VENTRICULAR TACHYCARDIA, CATECHOLAMINERGIC POLYMORPHIC, 1, WITH OR WITHOUT ATRIAL DYSFUNCTION AND/OR DILATED CARDIOMYOPATHY; VENTRICULAR TACHYCARDIA, STRESS-INDUCED POLYMORPHIC 1; RYR2-Related Catecholaminergic Polymorphic Ventricular Tachycardia. Identifiers: Orphanet 3286, MedGen C1631597, MONDO:0011484, OMIM 604772.

Submission:

Labcorp Genetics (formerly Invitae), Labcorp
Classification: Uncertain significance for Catecholaminergic polymorphic ventricular tachycardia 1. Last evaluated: 2022-09-15. Review status: criteria provided, single submitter. Criteria: Invitae Variant Classification Sherloc (09022015). Collection method: clinical testing. Allele origin: germline.
Comment: This sequence change replaces serine, which is neutral and polar, with phenylalanine, which is neutral and non-polar, at codon 166 of the RYR2 protein (p.Ser166Phe). This variant is not present in population databases (gnomAD no frequency). This variant has not been reported in the literature in individuals affected with RYR2-related conditions. Advanced modeling of protein sequence and biophysical properties (such as structural, functional, and spatial information, amino acid conservation, physicochemical variation, residue mobility, and thermodynamic stability) performed at Invitae indicates that this missense variant is expected to disrupt RYR2 protein function. In summary, the available evidence is currently insufficient to determine the role of this variant in disease. Therefore, it has been classified as a Variant of Uncertain Significance.

NM_001035.3(RYR2):c.497C>T (p.Ser166Phe)

Gene: RYR2 (ryanodine receptor 2; plus strand). Cytogenetic location: 1q43.
Variant type: single nucleotide variant.
Coding change: c.497C>T on transcript NM_001035.3 (MANE Select); coding-DNA position 497, C replaced by T.
Protein change: p.Ser166Phe; replaces serine 166 with phenylalanine.
Molecular consequence: missense variant.
Genome position (GRCh38, 1-based): chr1:237,377,356, C>T. VCF-style: chr1-237377356-C-T. GRCh37 (hg19) VCF-style: chr1-237540656-C-T.
Other names: short protein forms S166F.
Identifiers: ClinVar variation 1719486 (VCV001719486.6), dbSNP rs796052203, ClinGen allele CA345375506.
Genomic context (GRCh38, chr1:237,377,356, plus strand): 5'-ATGTTTCACATATCCGTATATCTGCAGGGGAGGCTTGTTGGTGGACCATACACCCTGCCT[C>T]TAAGCAGCGATCAGAAGGAGAAAAAGTACGAGTTGGAGATGACCTCATCTTAGTTAGCGT-3'
Protein context (NP_001026.2, residues 156-176): EACWWTIHPA[Ser166Phe]KQRSEGEKVR